The following is an entry in ClinVar:

ClinVar aggregate classification (germline): Uncertain significance (1 of 4 stars; one submission).

Submission:

Dasa
Classification: Uncertain significance. Last evaluated: 2025-08-25. Review status: criteria provided, single submitter. Criteria: DASA Assertion Criteria. Collection method: clinical testing. Allele origin: germline.
Comment: NM_015355.4(SUZ12):c.1546C>T (p.Arg516Cys) is a missense variant that results in the substitution of arginine with cysteine. This variant is rare in population databases. The currently available literature and clinical evidence are not sufficient to establish a definitive association between this variant and the reported condition. Therefore, this variant is classified as a variant of uncertain significance.

NM_015355.4(SUZ12):c.1546C>T (p.Arg516Cys)

Gene: SUZ12 (SUZ12 polycomb repressive complex 2 subunit; plus strand). Cytogenetic location: 17q11.2.
Variant type: single nucleotide variant.
Coding change: c.1546C>T on transcript NM_015355.4 (MANE Select); coding-DNA position 1546, C replaced by T.
Protein change: p.Arg516Cys; replaces arginine 516 with cysteine.
Molecular consequence: missense variant.
Genome position (GRCh38, 1-based): chr17:31,994,672, C>T. VCF-style: chr17-31994672-C-T. GRCh37 (hg19) VCF-style: chr17-30321691-C-T.
Other names: c.1477C>T, p.Arg493Cys (NM_001321207.2); short protein forms R493C, R516C.
Identifiers: ClinVar variation 4886008 (VCV004886008.2).